The following is an entry in ClinVar:

NM_000059.4(BRCA2):c.8754+11A>C

Gene: BRCA2 (BRCA2 DNA repair associated; plus strand). Cytogenetic location: 13q13.1.
Variant type: single nucleotide variant.
Coding change: c.8754+11A>C on transcript NM_000059.4 (MANE Select); 11 bases into the intron after coding-DNA position 8754, A replaced by C.
Molecular consequence: intron variant.
Genome position (GRCh38, 1-based): chr13:32,376,802, A>C. VCF-style: chr13-32376802-A-C. GRCh37 (hg19) VCF-style: chr13-32950939-A-C.
Identifiers: ClinVar variation 52666 (VCV000052666.11), dbSNP rs397508005, ClinGen allele CA025802.
Genomic context (GRCh38, chr13:32,376,802, plus strand): 5'-CAGAGCTTTATGAAGCAGTGAAGAATGCAGCAGACCCAGCTTACCTTGAGGTGAGAGAGT[A>C]AGAGGACATATAATGAGGCTTGATGATTATTCAAGGTGAGAAGCTGTTTTAGACTCTCTG-3'

ClinVar aggregate classification (germline): Likely benign. Review status: criteria provided, multiple submitters, no conflicts (2 of 4 stars). 3 submissions from 3 submitters: Likely benign (2). 1 of the submissions does not count toward it. Last evaluated 2025-08-17.

Conditions:
Hereditary cancer-predisposing syndrome. Also called: Neoplastic Syndromes, Hereditary; Tumor predisposition; Hereditary Cancer Syndrome; Hereditary neoplastic syndrome. Identifiers: Orphanet 140162, MedGen C0027672, MeSH D009386, MONDO:0015356.
Familial cancer of breast. Also called: BREAST CANCER, FAMILIAL; Hereditary breast cancer; hereditary breast carcinoma. Identifiers: Orphanet 227535, MedGen C0346153, MONDO:0016419, OMIM 114480. Disease mechanism: loss of function.
Hereditary breast ovarian cancer syndrome. Also called: Hereditary breast and ovarian cancer syndrome; Hereditary breast and ovarian cancer; Hereditary breast and ovarian cancer syndrome (HBOC); Breast and ovarian cancer; Hereditary breast and/or ovarian cancer syndrome; BRCA1- and BRCA2-Associated Hereditary Breast and Ovarian Cancer. Identifiers: Orphanet 145, MedGen C0677776, MeSH D061325, MONDO:0003582. Disease mechanism: loss of function.

Submissions (3):

Molecular Diagnostics Laboratory, Catalan Institute of Oncology
Classification: Likely benign for Hereditary cancer-predisposing syndrome. Last evaluated: 2025-08-17. Review status: criteria provided, single submitter. Criteria: ClinGen BRCA1BRCA2 ACMG Specifications BRCA2 V1.0.0. Collection method: clinical testing. Allele origin: germline.
Comment: PM2_Supporting, BP7_Strong BRCA2:c.8754+11A>C, is an intronic variant beyond position +7. It is not present in the population database gnomAD v2.1.1, non-cancer dataset (PM2_Supporting). The SpliceAI algorithm results in a non-informative deltascore (0.13) for the effect of this variant on splicing. RNA studies show that this variant does not affect splicing (PMID: 21735045) (BP7_Strong). This variant has been reported in the ClinVar database (1x likely benign), and has not been reported in LOVD, nor has it been reviewed by the expert panel in BRCA Exchange database. Based on the currently available evidence, c.8754+11A>C is classified as an uncertain significance variant according to ClinGen ENIGMA BRCA1 and BRCA2 Expert Panel Specifications to the ACMG/AMP Variant Interpretation Guidelines for BRCA2 Version 1.0.0.

Labcorp Genetics (formerly Invitae), Labcorp
Classification: Likely benign for Hereditary breast ovarian cancer syndrome. Last evaluated: 2022-02-01. Review status: criteria provided, single submitter. Criteria: Invitae Variant Classification Sherloc (09022015). Collection method: clinical testing. Allele origin: germline.

ClinVar Staff, National Center for Biotechnology Information (NCBI)
No classification provided. Condition: Familial cancer of breast. Review status: no classification provided. Collection method: literature only. Allele origin: germline. Affected: yes. Not counted in ClinVar's aggregate classification.

Literature cited by the submitters: PubMed 12845657 (cited by ClinVar Staff, National Center for Biotechnology Information (NCBI)).